The following is an entry in ClinVar:

NM_003072.5(SMARCA4):c.4346A>G (p.Glu1449Gly)

Gene: SMARCA4 (SWI/SNF related BAF chromatin remodeling complex subunit ATPase 4; plus strand). Cytogenetic location: 19p13.2.
Variant type: single nucleotide variant.
Coding change: c.4346A>G on transcript NM_003072.5 (MANE Select); coding-DNA position 4346, A replaced by G.
Protein change: p.Glu1449Gly; replaces glutamic acid 1449 with glycine.
Molecular consequence: missense variant. On other transcripts: non-coding transcript variant (1).
Genome position (GRCh38, 1-based): chr19:11,041,482, A>G. VCF-style: chr19-11041482-A-G. GRCh37 (hg19) VCF-style: chr19-11152158-A-G.
Other names: c.4346A>G, p.Glu1449Gly (NM_001128844.3); c.4256A>G, p.Glu1419Gly (NM_001128845.2, NM_001128846.2); c.4247A>G, p.Glu1416Gly (NM_001128847.4, NM_001128848.2, NM_001374457.1); c.4442A>G, p.Glu1481Gly (NM_001128849.3, NM_001387283.1); short protein forms E1481G, E1449G, E1416G, E1419G.
Identifiers: ClinVar variation 408600 (VCV000408600.10), dbSNP rs1060502058, ClinGen allele CA16615985.

ClinVar aggregate classification (germline): Uncertain significance. Review status: criteria provided, multiple submitters, no conflicts (2 of 4 stars). 2 submissions from 2 submitters: Uncertain significance (2). Last evaluated 2023-06-29.

Conditions:
Hereditary cancer-predisposing syndrome. Also called: Hereditary Cancer Syndrome; Hereditary neoplastic syndrome; Neoplastic Syndromes, Hereditary; Tumor predisposition. Identifiers: Orphanet 140162, MedGen C0027672, MeSH D009386, MONDO:0015356.
Rhabdoid tumor predisposition syndrome 2 (RTPS2). Identifiers: Orphanet 231108, Orphanet 69077, MedGen C2750074, MONDO:0013224, OMIM 613325.

Submissions (2):

Ambry Genetics
Classification: Uncertain significance for Hereditary cancer-predisposing syndrome. Last evaluated: 2023-06-29. Review status: criteria provided, single submitter. Criteria: Ambry Variant Classification Scheme 2023. Collection method: clinical testing. Allele origin: germline.
Comment: The p.E1481G variant (also known as c.4442A>G), located in coding exon 30 of the SMARCA4 gene, results from an A to G substitution at nucleotide position 4442. The glutamic acid at codon 1481 is replaced by glycine, an amino acid with similar properties. This amino acid position is highly conserved in available vertebrate species. In addition, this alteration is predicted to be tolerated by in silico analysis. Missense and in-frame variants in SMARCA4 are known to cause neurodevelopmental disorders; however, such associations with rhabdoid tumor predisposition syndrome including small cell carcinoma of the ovary-hypercalcemic type (SCCOHT) are exceedingly rare (Kosho T et al. Am J Med Genet C Semin Med Genet. 2014 Sep;166C(3):262-75; Jelinic P et al. Nat Genet. 2014 May;46(5):424-6). Based on the supporting evidence, the association of this alteration with Coffin-Siris syndrome is unknown; however, the association of this alteration with rhabdoid tumor predisposition syndrome is unlikely.

Labcorp Genetics (formerly Invitae), Labcorp
Classification: Uncertain significance for Rhabdoid tumor predisposition syndrome 2. Last evaluated: 2016-11-20. Review status: criteria provided, single submitter. Criteria: Invitae Variant Classification Sherloc (09022015). Collection method: clinical testing. Allele origin: germline.
Comment: In summary, this variant is a novel missense change with uncertain impact on protein function. It has been classified as a Variant of Uncertain Significance. Algorithms developed to predict the effect of missense changes on protein structure and function do not agree on the potential impact of this missense change (SIFT: "Deleterious"; PolyPhen-2: "Benign"; Align-GVGD: "Class C65"). This variant is not present in population databases (ExAC no frequency) and has not been reported in the literature in individuals with a SMARCA4-related disease. This sequence change replaces glutamic acid with glycine at codon 1481 of the SMARCA4 protein (p.Glu1481Gly). The glutamic acid residue is highly conserved and there is a moderate physicochemical difference between glutamic acid and glycine.